The following is an entry in ClinVar:

ClinVar aggregate classification (germline): Pathogenic (1 of 4 stars; one submission).

Conditions:
Myofibrillar myopathy 5. Also called: Filaminopathy (type); FILAMINOPATHY, AUTOSOMAL DOMINANT. Identifiers: Orphanet 171445, MedGen C1836050, MONDO:0012289, OMIM 609524.
Distal myopathy with posterior leg and anterior hand involvement. Also called: WILLIAMS DISTAL MYOPATHY. Identifiers: Orphanet 63273, MedGen C3279722, MONDO:0013550, OMIM 614065.
Hypertrophic cardiomyopathy 26. Also called: Cardiomyopathy, familial hypertrophic, 26. Identifiers: Orphanet 75249, MedGen C4310749, MONDO:0014883, OMIM 617047.

Submission:

Labcorp Genetics (formerly Invitae), Labcorp
Classification: Pathogenic for Distal myopathy with posterior leg and anterior hand involvement; Myofibrillar myopathy 5; Hypertrophic cardiomyopathy 26. Last evaluated: 2019-06-07. Review status: criteria provided, single submitter. Criteria: Invitae Variant Classification Sherloc (09022015). Collection method: clinical testing. Allele origin: germline.
Comment: For these reasons, this variant has been classified as Pathogenic. This sequence change creates a premature translational stop signal (p.Ser2509*) in the FLNC gene. It is expected to result in an absent or disrupted protein product. This variant is not present in population databases (ExAC no frequency). This variant has not been reported in the literature in individuals with FLNC-related conditions. Loss-of-function variants in FLNC are known to be pathogenic (PMID: 27908349).

Literature cited by the submitters: PubMed 27908349.

NM_001458.5(FLNC):c.7526_7527delinsAG (p.Ser2509Ter)

Genes: FLNC (filamin C; plus strand), FLNC-AS1 (FLNC antisense RNA 1; minus strand). Cytogenetic location: 7q32.1.
Variant type: Indel.
Coding change: c.7526_7527delinsAG on transcript NM_001458.5 (MANE Select); coding-DNA positions 7526 to 7527, CA replaced by AG.
Protein change: p.Ser2509Ter; replaces serine 2509 with a stop codon.
Molecular consequence: nonsense.
Genome position (GRCh38, 1-based): chr7:128,856,886-128,856,887, CA replaced by AG. VCF-style: chr7-128856886-CA-AG. GRCh37 (hg19) VCF-style: chr7-128496940-CA-AG.
Other names: c.7427_7428delinsAG, p.Ser2476Ter (NM_001127487.2); short protein forms S2509*, S2476*.
Identifiers: ClinVar variation 944281 (VCV000944281.8), dbSNP rs1809085817, ClinGen allele CA1139660241.